The following is an entry in ClinVar:

NM_007294.4(BRCA1):c.4445A>C (p.Asp1482Ala)

Gene: BRCA1 (BRCA1 DNA repair associated; minus strand). Cytogenetic location: 17q21.31.
Variant type: single nucleotide variant.
Coding change: c.4445A>C on transcript NM_007294.4 (MANE Select); coding-DNA position 4445, A replaced by C.
Protein change: p.Asp1482Ala; replaces aspartic acid 1482 with alanine.
Molecular consequence: missense variant. On other transcripts: non-coding transcript variant (1).
Genome position (GRCh38, 1-based): chr17:43,076,527, T>G on the plus strand (A>C on the coding strand, the complement: BRCA1 is on the minus strand). VCF-style: chr17-43076527-T-G. GRCh37 (hg19) VCF-style: chr17-41228544-T-G.
Other names: c.4061A>C, p.Asp1354Ala (NM_001407960.1, NM_001407962.1); c.4058A>C, p.Asp1353Ala (NM_001407963.1); c.3938A>C, p.Asp1313Ala (NM_001407965.1); c.3557A>C, p.Asp1186Ala (NM_001407966.1); c.3554A>C, p.Asp1185Ala (NM_001407967.1); c.1841A>C, p.Asp614Ala (NM_001407968.1); c.1136A>C, p.Asp379Ala (NM_001407973.1, NM_001407974.1, NM_001407975.1 and 3 more transcripts); c.1838A>C, p.Asp613Ala (NM_001407969.1); and 68 more; short protein forms D1435A, D1482A, D1503A, D378A, D1313A, D1353A, D1370A, D1413A.
Identifiers: ClinVar variation 1009272 (VCV001009272.11), dbSNP rs757726297, ClinGen allele CA10592646.
Genomic context (GRCh38, chr17:43,076,527, plus strand): 5'-CTTTACATTGATGTTTCTTACCTTTCCACTCCTGGTTCTTTATTTTTACTGGTAGAACTA[T>G]CTGCAGACACCTCAAACTTGTCAGCAGAAAGGCCTTCTGGATTCTGGCTTATAGGGTATT-3'
Protein context (NP_009225.1, residues 1472-1492): LSADKFEVSA[Asp1482Ala]SSTSKNKEPG

ClinVar aggregate classification (germline): Uncertain significance. Review status: criteria provided, multiple submitters, no conflicts (2 of 4 stars). 2 submissions from 2 submitters: Uncertain significance (2). Last evaluated 2025-07-11.

Conditions:
Hereditary cancer-predisposing syndrome. Also called: Tumor predisposition; Hereditary neoplastic syndrome; Neoplastic Syndromes, Hereditary; Hereditary Cancer Syndrome. Identifiers: Orphanet 140162, MedGen C0027672, MeSH D009386, MONDO:0015356.
Hereditary breast ovarian cancer syndrome. Also called: BRCA1- and BRCA2-Associated Hereditary Breast and Ovarian Cancer; Hereditary breast and ovarian cancer; Hereditary breast and ovarian cancer syndrome; Breast and ovarian cancer; Hereditary breast and/or ovarian cancer syndrome; Hereditary breast and ovarian cancer syndrome (HBOC). Identifiers: Orphanet 145, MedGen C0677776, MeSH D061325, MONDO:0003582. Disease mechanism: loss of function.

Submissions (2):

Ambry Genetics
Classification: Uncertain significance for Hereditary cancer-predisposing syndrome. Last evaluated: 2025-07-11. Review status: criteria provided, single submitter. Criteria: Ambry Variant Classification Scheme 2023. Collection method: clinical testing. Allele origin: germline.
Comment: The p.D1482A variant (also known as c.4445A>C), located in coding exon 12 of the BRCA1 gene, results from an A to C substitution at nucleotide position 4445. The aspartic acid at codon 1482 is replaced by alanine, an amino acid with dissimilar properties. This amino acid position is not well conserved in available vertebrate species. In addition, this alteration is predicted to be tolerated by in silico analysis. Based on the available evidence, the clinical significance of this variant remains unclear.

Labcorp Genetics (formerly Invitae), Labcorp
Classification: Uncertain significance for Hereditary breast ovarian cancer syndrome. Last evaluated: 2023-04-06. Review status: criteria provided, single submitter. Criteria: Invitae Variant Classification Sherloc (09022015). Collection method: clinical testing. Allele origin: germline.
Comment: This variant is not present in population databases (gnomAD no frequency). In summary, the available evidence is currently insufficient to determine the role of this variant in disease. Therefore, it has been classified as a Variant of Uncertain Significance. Advanced modeling of protein sequence and biophysical properties (such as structural, functional, and spatial information, amino acid conservation, physicochemical variation, residue mobility, and thermodynamic stability) performed at Invitae indicates that this missense variant is not expected to disrupt BRCA1 protein function. ClinVar contains an entry for this variant (Variation ID: 1009272). This missense change has been observed in individual(s) with breast and/or ovarian cancer (PMID: 26852015). This sequence change replaces aspartic acid, which is acidic and polar, with alanine, which is neutral and non-polar, at codon 1482 of the BRCA1 protein (p.Asp1482Ala).

Literature cited by the submitters: PubMed 26852015 (cited by Ambry Genetics and Labcorp Genetics (formerly Invitae), Labcorp).